The following is an entry in ClinVar:

NM_002471.4(MYH6):c.4704C>A (p.Asn1568Lys)

Genes: MYH6 (myosin heavy chain 6; minus strand), LOC126861896 (BRD4-independent group 4 enhancer GRCh37_chr14:23854904-23856103; plus strand). Cytogenetic location: 14q11.2.
Variant type: single nucleotide variant.
Coding change: c.4704C>A on transcript NM_002471.4 (MANE Select); coding-DNA position 4704, C replaced by A.
Protein change: p.Asn1568Lys; replaces asparagine 1568 with lysine.
Molecular consequence: missense variant.
Genome position (GRCh38, 1-based): chr14:23,386,570, G>T on the plus strand (C>A on the coding strand, the complement: MYH6 is on the minus strand). VCF-style: chr14-23386570-G-T. GRCh37 (hg19) VCF-style: chr14-23855779-G-T.
Other names: short protein forms N1568K.
Identifiers: ClinVar variation 1063911 (VCV001063911.12), dbSNP rs149771264, ClinGen allele CA7114656.

ClinVar aggregate classification (germline): Conflicting classifications of pathogenicity. Review status: criteria provided, conflicting classifications (1 of 4 stars). 4 submissions from 4 submitters: Uncertain significance (2); Likely benign (1). 1 of the submissions does not count toward it. Last evaluated 2025-11-18.

Conditions:
MYH6-related disorder. Also called: MYH6-Related Disorders; MYH6-related condition.
Cardiovascular phenotype. Identifiers: MedGen CN230736.
Hypertrophic cardiomyopathy 14. Identifiers: MedGen C2750467, MONDO:0013197, OMIM 613251.

Allele frequency attached by ClinVar (database versions not stated): TOPMed 0.00002; gnomAD 0.00003; gnomAD exomes 0.00009 and 0.00010; ESP Exome Variant Server 0.00015; ExAC 0.00018.
gnomAD v4.1: 130 of 1,606,212 alleles (0.0081%); highest among the groups gnomAD compares: Non-Finnish European, 0.0097%; no homozygotes.

Submissions (4):

Labcorp Genetics (formerly Invitae), Labcorp
Classification: Uncertain significance for Hypertrophic cardiomyopathy 14. Last evaluated: 2025-11-18. Review status: criteria provided, single submitter. Criteria: Invitae Variant Classification Sherloc (09022015). Collection method: clinical testing. Allele origin: germline.
Comment: This sequence change replaces asparagine, which is neutral and polar, with lysine, which is basic and polar, at codon 1568 of the MYH6 protein (p.Asn1568Lys). This variant is present in population databases (rs149771264, gnomAD 0.02%). This variant has not been reported in the literature in individuals affected with MYH6-related conditions. ClinVar contains an entry for this variant (Variation ID: 1063911). Invitae Evidence Modeling of protein sequence and biophysical properties (such as structural, functional, and spatial information, amino acid conservation, physicochemical variation, residue mobility, and thermodynamic stability) indicates that this missense variant is not expected to disrupt MYH6 protein function with a negative predictive value of 80%. In summary, the available evidence is currently insufficient to determine the role of this variant in disease. Therefore, it has been classified as a Variant of Uncertain Significance.

Ambry Genetics
Classification: Uncertain significance for Cardiovascular phenotype. Last evaluated: 2024-10-28. Review status: criteria provided, single submitter. Criteria: Ambry Variant Classification Scheme 2023. Collection method: clinical testing. Allele origin: germline.
Comment: The p.N1568K variant (also known as c.4704C>A), located in coding exon 31 of the MYH6 gene, results from a C to A substitution at nucleotide position 4704. The asparagine at codon 1568 is replaced by lysine, an amino acid with similar properties. This alteration has been reported in a hypertrophic cardiomyopathy (HCM) cohort; however, clinical details were limited (Lopes LR et al. Heart, 2015 Feb;101:294-301). This amino acid position is highly conserved in available vertebrate species. In addition, this alteration is predicted to be tolerated by in silico analysis. Since supporting evidence is limited at this time, the clinical significance of this alteration remains unclear.

Blueprint Genetics
Classification: Likely benign. Last evaluated: 2024-07-11. Review status: criteria provided, single submitter. Criteria: ACMG Guidelines, 2015. Collection method: clinical testing. Allele origin: germline.

PreventionGenetics, part of Exact Sciences
Classification: Uncertain significance for MYH6-related condition. Last evaluated: 2024-06-04. Review status: no assertion criteria provided. Collection method: clinical testing. Allele origin: germline. Not counted in ClinVar's aggregate classification.
Comment: The MYH6 c.4704C>A variant is predicted to result in the amino acid substitution p.Asn1568Lys. This variant has been reported in the heterozygous state in an individual with hypertrophic cardiomyopathy; however, this individual also carried additional variants in genes associated with cardiomyopathy or cardiac arrhythmia (Table S4, Lopes et al. 2013. PubMed ID: 23396983; Table S1, Lopes et al. 2014. PubMed ID: 25351510). This variant is reported in 0.019% of alleles in individuals of European (Non-Finnish) descent in gnomAD. At this time, the clinical significance of this variant is uncertain due to the absence of conclusive functional and genetic evidence.

Literature cited by the submitters: PubMed 25351510 (cited by Ambry Genetics).